The following is an entry in ClinVar:

NM_001379500.1(COL18A1):c.1097C>T (p.Pro366Leu)

Gene: COL18A1 (collagen type XVIII alpha 1 chain; plus strand). Cytogenetic location: 21q22.3.
Variant type: single nucleotide variant.
Coding change: c.1097C>T on transcript NM_001379500.1 (MANE Select); coding-DNA position 1097, C replaced by T.
Protein change: p.Pro366Leu; replaces proline 366 with leucine.
Molecular consequence: missense variant.
Genome position (GRCh38, 1-based): chr21:45,477,841, C>T. VCF-style: chr21-45477841-C-T. GRCh37 (hg19) VCF-style: chr21-46897755-C-T.
Other names: c.1637C>T, p.Pro546Leu (NM_030582.4); c.2342C>T, p.Pro781Leu (NM_130444.3); short protein forms P366L, P546L, P781L.
Identifiers: ClinVar variation 1397325 (VCV001397325.5), dbSNP rs569431714, ClinGen allele CA10066075.

ClinVar aggregate classification (germline): Uncertain significance (1 of 4 stars; one submission).

Allele frequency attached by ClinVar (database versions not stated): TOPMed 0.00003; gnomAD 0.00004 and 0.00007; ExAC 0.00023; 1000 Genomes Project 30x 0.00062; 1000 Genomes Project 0.00080.
gnomAD v4.1: 54 of 1,553,096 alleles (0.0035%); highest among the groups gnomAD compares: South Asian, 0.019%; no homozygotes.

Submission:

Labcorp Genetics (formerly Invitae), Labcorp
Classification: Uncertain significance. Last evaluated: 2022-10-28. Review status: criteria provided, single submitter. Criteria: Invitae Variant Classification Sherloc (09022015). Collection method: clinical testing. Allele origin: germline.
Comment: This sequence change replaces proline, which is neutral and non-polar, with leucine, which is neutral and non-polar, at codon 366 of the COL18A1 protein (p.Pro366Leu). This variant is present in population databases (rs569431714, gnomAD 0.02%). This variant has not been reported in the literature in individuals affected with COL18A1-related conditions. ClinVar contains an entry for this variant (Variation ID: 1397325). Experimental studies and prediction algorithms are not available or were not evaluated, and the functional significance of this variant is currently unknown. In summary, the available evidence is currently insufficient to determine the role of this variant in disease. Therefore, it has been classified as a Variant of Uncertain Significance.